The following is an entry in ClinVar:

ClinVar aggregate classification (germline): Uncertain significance. Review status: criteria provided, multiple submitters, no conflicts (2 of 4 stars). 3 submissions from 3 submitters: Uncertain significance (2). 1 of the submissions does not count toward it. Last evaluated 2025-03-01.

Conditions:
Frontotemporal dementia and/or amyotrophic lateral sclerosis 4. Also called: FTDALS4. Identifiers: Orphanet 275872, MedGen C4225325, MONDO:0014641, OMIM 616439.

Allele frequency attached by ClinVar (database versions not stated): gnomAD exomes below 0.00001; ExAC 0.00001; gnomAD 0.00001; TOPMed 0.00003.
gnomAD v4.1: 15 of 1,556,480 alleles (0.00096%); highest among the groups gnomAD compares: African/African-American, 0.0014%; no homozygotes.

Submissions (3):

Labcorp Genetics (formerly Invitae), Labcorp
Classification: Uncertain significance for Frontotemporal dementia and/or amyotrophic lateral sclerosis 4. Last evaluated: 2025-03-01. Review status: criteria provided, single submitter. Criteria: Invitae Variant Classification Sherloc (09022015). Collection method: clinical testing. Allele origin: germline.
Comment: This sequence change replaces lysine, which is basic and polar, with glutamic acid, which is acidic and polar, at codon 401 of the TBK1 protein (p.Lys401Glu). The frequency data for this variant in the population databases is considered unreliable, as metrics indicate poor data quality at this position in the gnomAD database. This missense change has been observed in individual(s) with TBK1-related conditions (PMID: 25943890). ClinVar contains an entry for this variant (Variation ID: 203441). Invitae Evidence Modeling of protein sequence and biophysical properties (such as structural, functional, and spatial information, amino acid conservation, physicochemical variation, residue mobility, and thermodynamic stability) indicates that this missense variant is not expected to disrupt TBK1 protein function with a negative predictive value of 95%. Experimental studies have shown that this missense change affects TBK1 function (PMID: 31748271). In summary, the available evidence is currently insufficient to determine the role of this variant in disease. Therefore, it has been classified as a Variant of Uncertain Significance.

Victorian Clinical Genetics Services, Murdoch Childrens Research Institute
Classification: Uncertain significance for Frontotemporal dementia and/or amyotrophic lateral sclerosis 4. Last evaluated: 2022-02-02. Review status: criteria provided, single submitter. Criteria: ACMG Guidelines, 2015. Collection method: clinical testing. Allele origin: germline. Inheritance: Autosomal dominant inheritance.
Comment: Based on the classification scheme VCGS_Germline_v1.3.4, this variant is classified as VUS-3A. Following criteria are met: 0102 - Loss of function is a known mechanism of disease in this gene and is associated with frontotemporal dementia and/or amyotrophic lateral sclerosis 4 (MIM#616439) (PMID: 27892983). (I) 0107 - This gene is associated with autosomal dominant disease. (I) 0200 - Variant is predicted to result in a missense amino acid change from lysine to glutamic acid. (I) 0251 - This variant is heterozygous. (I) 0302 - Variant is present in gnomAD <0.001 for a dominant condition (v3: 2 heterozygotes, 0 homozygotes). (SP) 0309 - An alternative amino acid change at the same position has been observed in gnomAD (v3; 1 heterozygote, 0 homozygotes). (I) 0502 - Missense variant with conflicting in silico predictions and uninformative conservation. (I) 0601 - Variant is located in the annotated TANK-binding kinase 1 coiled-coil domain 1 where this residue p.(Lys401) is known to undergo poly-ubiquitination. It is one of two such sites required for kinase activity and signalling (DECIPHER, NCBI, PMID: 23453972). (SP) 0705 - No comparable missense variants have previous evidence for pathogenicity. (I) 0809 - Previous evidence of pathogenicity for this variant is inconclusive. This variant has been reported in an individual with a clinical diagnosis of Alzheimers disease and post mortem findings suggested frontotemporal dementia (PMID: 25943890). (I) 0905 - No published segregation evidence has been identified for this variant. (I) 1010 - Functional evidence for this variant is conflicting. One study found this variant caused reduced TBK1 protein levels in post mortem brain tissue of an ALS patient, while another found it didn’t affect kinase activity, or protein stability and binding (PMID: 25943890, 31748271). (I) Legend: (SP) - Supporting pathogenic, (I) - Information, (SB) - Supporting benign

OMIM
Classification: Pathogenic for FRONTOTEMPORAL DEMENTIA AND/OR AMYOTROPHIC LATERAL SCLEROSIS 4. Last evaluated: 2015-07-01. Review status: no assertion criteria provided. Collection method: literature only. Allele origin: germline. Not counted in ClinVar's aggregate classification.

Literature cited by the submitters: PubMed 25943890 (cited by 3 submitters); PubMed 31748271 (cited by Labcorp Genetics (formerly Invitae), Labcorp and Victorian Clinical Genetics Services, Murdoch Childrens Research Institute); PubMed 23453972 (cited by Victorian Clinical Genetics Services, Murdoch Childrens Research Institute); PubMed 27892983 (cited by Victorian Clinical Genetics Services, Murdoch Childrens Research Institute).

NM_013254.4(TBK1):c.1201A>G (p.Lys401Glu)

Gene: TBK1 (TANK binding kinase 1; plus strand). Cytogenetic location: 12q14.2.
Variant type: single nucleotide variant.
Coding change: c.1201A>G on transcript NM_013254.4 (MANE Select); coding-DNA position 1201, A replaced by G.
Protein change: p.Lys401Glu; replaces lysine 401 with glutamic acid.
Molecular consequence: missense variant.
Genome position (GRCh38, 1-based): chr12:64,485,466, A>G. VCF-style: chr12-64485466-A-G. GRCh37 (hg19) VCF-style: chr12-64879246-A-G.
Other names: c.1201A>G, p.Lys401Glu (LRG_1306t1); short protein forms K401E.
Identifiers: ClinVar variation 203441 (VCV000203441.3), dbSNP rs756751089, ClinGen allele CA203891.